The following is an entry in ClinVar:

NM_206926.2(SELENON):c.160G>T (p.Glu54Ter)

Gene: SELENON (selenoprotein N; plus strand). Cytogenetic location: 1p36.11.
Variant type: single nucleotide variant.
Coding change: c.160G>T on transcript NM_206926.2 (MANE Select); coding-DNA position 160, G replaced by T.
Protein change: p.Glu54Ter; replaces glutamic acid 54 with a stop codon.
Molecular consequence: nonsense.
Genome position (GRCh38, 1-based): chr1:25,800,390, G>T. VCF-style: chr1-25800390-G-T. GRCh37 (hg19) VCF-style: chr1-26126881-G-T.
Other names: c.160G>T, p.Glu54Ter (NM_020451.3); short protein forms E54*.
Identifiers: ClinVar variation 1453339 (VCV001453339.6), dbSNP rs2047850525, ClinGen allele CA339106260.
Genomic context (GRCh38, chr1:25,800,390, plus strand): 5'-CTCGGAGCCCTGCTGGCCGCCGCCGCTGCCGCCGCCGTCCGGGTCTGCGCCCGCCACGCC[G>T]AGGCCCAGGCGGCCGCGCGGCAGGTCCGGGCCCGAGCTGGCTGGGGCGGGAGCGCGGGAG-3'

ClinVar aggregate classification (germline): Pathogenic (1 of 4 stars; one submission).

Conditions:
Eichsfeld type congenital muscular dystrophy (CMYO3). Also called: MYOPATHY, SEPN1-RELATED; SELENON-related myopathy; Congenital myopathy 3 with rigid spine; Rigid spine muscular dystrophy 1. Identifiers: MedGen C0410180, MONDO:0100100, OMIM 602771.

Submission:

Labcorp Genetics (formerly Invitae), Labcorp
Classification: Pathogenic for Eichsfeld type congenital muscular dystrophy. Last evaluated: 2021-07-26. Review status: criteria provided, single submitter. Criteria: Invitae Variant Classification Sherloc (09022015). Collection method: clinical testing. Allele origin: germline.
Comment: This sequence change creates a premature translational stop signal (p.Glu54*) in the SELENON gene. It is expected to result in an absent or disrupted protein product. Loss-of-function variants in SELENON are known to be pathogenic (PMID: 21131290, 21670436). For these reasons, this variant has been classified as Pathogenic. This variant has not been reported in the literature in individuals affected with SELENON-related conditions. The frequency data for this variant in the population databases is considered unreliable, as metrics indicate insufficient coverage at this position in the ExAC database.

Literature cited by the submitters: PubMed 21131290; PubMed 21670436.